The following is an entry in ClinVar:

ClinVar aggregate classification (germline): Uncertain significance. Review status: criteria provided, multiple submitters, no conflicts (2 of 4 stars). 3 submissions from 3 submitters: Uncertain significance (3). Last evaluated 2025-08-30.

Conditions:
Hereditary cancer-predisposing syndrome. Also called: Neoplastic Syndromes, Hereditary; Hereditary neoplastic syndrome; Hereditary Cancer Syndrome; Tumor predisposition. Identifiers: Orphanet 140162, MedGen C0027672, MeSH D009386, MONDO:0015356.
POLD1-related polyposis and colorectal cancer syndrome (CRCS10). Also called: Colorectal cancer, susceptibility to, 10; Colorectal cancer 10; COLORECTAL CANCER, SUSCEPTIBILITY TO, ON CHROMOSOME 19q. Identifiers: Orphanet 220460, MedGen C2675481, MONDO:0012953, OMIM 612591.

Allele frequency attached by ClinVar (database versions not stated): TOPMed below 0.00001; gnomAD exomes 0.00001.
gnomAD v4.1: 5 of 1,614,030 alleles (0.00031%); highest among the groups gnomAD compares: Non-Finnish European, 0.00042%; no homozygotes.

Submissions (3):

Ambry Genetics
Classification: Uncertain significance for Hereditary cancer-predisposing syndrome. Last evaluated: 2025-08-30. Review status: criteria provided, single submitter. Criteria: Ambry Variant Classification Scheme 2023. Collection method: clinical testing. Allele origin: germline.
Comment: The p.S434C variant (also known as c.1301C>G), located in coding exon 10 of the POLD1 gene, results from a C to G substitution at nucleotide position 1301. The serine at codon 434 is replaced by cysteine, an amino acid with dissimilar properties. This amino acid position is well conserved in available vertebrate species. In addition, this alteration is predicted to be tolerated by in silico analysis. Since supporting evidence is limited at this time, the clinical significance of this alteration remains unclear.

Labcorp Genetics (formerly Invitae), Labcorp
Classification: Uncertain significance for POLD1-related polyposis and colorectal cancer syndrome. Last evaluated: 2025-03-03. Review status: criteria provided, single submitter. Criteria: Invitae Variant Classification Sherloc (09022015). Collection method: clinical testing. Allele origin: germline.
Comment: This sequence change replaces serine, which is neutral and polar, with cysteine, which is neutral and slightly polar, at codon 434 of the POLD1 protein (p.Ser434Cys). This variant is present in population databases (no rsID available, gnomAD 0.002%). This variant has not been reported in the literature in individuals affected with POLD1-related conditions. ClinVar contains an entry for this variant (Variation ID: 408089). Invitae Evidence Modeling of protein sequence and biophysical properties (such as structural, functional, and spatial information, amino acid conservation, physicochemical variation, residue mobility, and thermodynamic stability) indicates that this missense variant is not expected to disrupt POLD1 protein function with a negative predictive value of 80%. In summary, the available evidence is currently insufficient to determine the role of this variant in disease. Therefore, it has been classified as a Variant of Uncertain Significance.

Baylor Genetics
Classification: Uncertain significance for POLD1-related polyposis and colorectal cancer syndrome. Last evaluated: 2023-08-09. Review status: criteria provided, single submitter. Criteria: ACMG Guidelines, 2015. Collection method: clinical testing. Allele origin: unknown.

NM_002691.4(POLD1):c.1301C>G (p.Ser434Cys)

Gene: POLD1 (DNA polymerase delta 1, catalytic subunit; plus strand). Cytogenetic location: 19q13.33.
Variant type: single nucleotide variant.
Coding change: c.1301C>G on transcript NM_002691.4 (MANE Select); coding-DNA position 1301, C replaced by G.
Protein change: p.Ser434Cys; replaces serine 434 with cysteine.
Molecular consequence: missense variant. On other transcripts: non-coding transcript variant (1).
Genome position (GRCh38, 1-based): chr19:50,406,240, C>G. VCF-style: chr19-50406240-C-G. GRCh37 (hg19) VCF-style: chr19-50909497-C-G.
Other names: c.1301C>G, p.Ser434Cys (NM_001256849.1, NM_001308632.1); short protein forms S434C.
Identifiers: ClinVar variation 408089 (VCV000408089.16), dbSNP rs1060501845, ClinGen allele CA16616127.